The following is an entry in ClinVar:

NM_001199753.2(CPT1C):c.282-3C>G

Gene: CPT1C (carnitine palmitoyltransferase 1C; plus strand). Cytogenetic location: 19q13.33.
Variant type: single nucleotide variant.
Coding change: c.282-3C>G on transcript NM_001199753.2 (MANE Select); 3 bases into the intron before coding-DNA position 282, C replaced by G.
Molecular consequence: intron variant.
Genome position (GRCh38, 1-based): chr19:49,700,681, C>G. VCF-style: chr19-49700681-C-G. GRCh37 (hg19) VCF-style: chr19-50203938-C-G.
Other names: c.282-3C>G (NM_001378485.1, NM_001378483.1, NM_001199752.3 and 7 more transcripts).
Identifiers: ClinVar variation 862277 (VCV000862277.9), dbSNP rs2082962666, ClinGen allele CA916083713.

ClinVar aggregate classification (germline): Uncertain significance (1 of 4 stars; one submission).

Conditions:
Hereditary spastic paraplegia 73. Also called: Spastic paraplegia 73, autosomal dominant. Identifiers: Orphanet 444099, MedGen C5568981, MONDO:0014568, OMIM 616282.

gnomAD v4.1: 21 of 1,607,058 alleles (0.0013%); highest among the groups gnomAD compares: Non-Finnish European, 0.0016%; no homozygotes.

Submission:

Labcorp Genetics (formerly Invitae), Labcorp
Classification: Uncertain significance for Hereditary spastic paraplegia 73. Last evaluated: 2019-02-21. Review status: criteria provided, single submitter. Criteria: Invitae Variant Classification Sherloc (09022015). Collection method: clinical testing. Allele origin: germline.
Comment: In summary, the available evidence is currently insufficient to determine the role of this variant in disease. Therefore, it has been classified as a Variant of Uncertain Significance. Nucleotide substitutions within the consensus splice site are a relatively common cause of aberrant splicing (PMID: 17576681, 9536098). Algorithms developed to predict the effect of sequence changes on RNA splicing suggest that this variant may disrupt the consensus splice site, but this prediction has not been confirmed by published transcriptional studies. This variant has not been reported in the literature in individuals with CPT1C-related conditions. This variant is not present in population databases (ExAC no frequency). This sequence change falls in intron 4 of the CPT1C gene. It does not directly change the encoded amino acid sequence of the CPT1C protein, but it affects a nucleotide within the consensus splice site of the intron.

Literature cited by the submitters: PubMed 17576681; PubMed 9536098.